The following is an entry in ClinVar:

NM_014915.3(ANKRD26):c.407G>A (p.Gly136Asp)

Gene: ANKRD26 (ankyrin repeat domain 26; minus strand). Cytogenetic location: 10p12.1.
Variant type: single nucleotide variant.
Coding change: c.407G>A on transcript NM_014915.3 (MANE Select); coding-DNA position 407, G replaced by A.
Protein change: p.Gly136Asp; replaces glycine 136 with aspartic acid.
Molecular consequence: missense variant.
Genome position (GRCh38, 1-based): chr10:27,093,473, C>T on the plus strand (G>A on the coding strand, the complement: ANKRD26 is on the minus strand). VCF-style: chr10-27093473-C-T. GRCh37 (hg19) VCF-style: chr10-27382402-C-T.
Other names: c.407G>A, p.Gly136Asp (NM_001256053.2); short protein forms G136D.
Identifiers: ClinVar variation 2885704 (VCV002885704.5), dbSNP rs372644047, ClinGen allele CA5448950.
Genomic context (GRCh38, chr10:27,093,473, plus strand): 5'-TTATAGACAGCATAGTGAAGAGCAGTGTTGCCATGGACATCCGCAAGATTTGGATCAGCA[C>T]CATGTTCTAGCAGAATAGTTGCACATTTCTCTTCCTGGCATTGTACAGCCTGGGAGTATT-3'
Protein context (NP_055730.2, residues 126-146): EKCATILLEH[Gly136Asp]ADPNLADVHG

ClinVar aggregate classification (germline): Conflicting classifications of pathogenicity. Review status: criteria provided, conflicting classifications (1 of 4 stars). 3 submissions from 3 submitters: Uncertain significance (2); Likely benign (1). Last evaluated 2025-03-19.

Conditions:
Inborn genetic diseases. Identifiers: MedGen C0950123, MeSH D030342.

Allele frequency attached by ClinVar (database versions not stated): ESP Exome Variant Server 0.00008; ExAC 0.00010; 1000 Genomes Project 30x 0.00031; 1000 Genomes Project 0.00040.
gnomAD v4.1: 48 of 1,614,180 alleles (0.003%); highest among the groups gnomAD compares: East Asian, 0.096%; no homozygotes.

Submissions (3):

Ambry Genetics
Classification: Uncertain significance for Inborn genetic diseases. Last evaluated: 2025-03-19. Review status: criteria provided, single submitter. Criteria: Ambry Variant Classification Scheme 2023. Collection method: clinical testing. Allele origin: germline.

GeneDx
Classification: Uncertain significance. Last evaluated: 2025-03-17. Review status: criteria provided, single submitter. Criteria: GeneDx Variant Classification Process June 2021. Collection method: clinical testing. Allele origin: germline. Affected: yes.
Comment: In silico analysis supports that this missense variant has a deleterious effect on protein structure/function; Has not been previously published as pathogenic or benign to our knowledge

Labcorp Genetics (formerly Invitae), Labcorp
Classification: Likely benign. Last evaluated: 2025-01-22. Review status: criteria provided, single submitter. Criteria: Invitae Variant Classification Sherloc (09022015). Collection method: clinical testing. Allele origin: germline.